The following is an entry in ClinVar:

NM_019045.5(WDR44):c.496C>T (p.Leu166Phe)

Gene: WDR44 (WD repeat domain 44; plus strand). Cytogenetic location: Xq24.
Variant type: single nucleotide variant.
Coding change: c.496C>T on transcript NM_019045.5 (MANE Select); coding-DNA position 496, C replaced by T.
Protein change: p.Leu166Phe; replaces leucine 166 with phenylalanine.
Molecular consequence: missense variant.
Genome position (GRCh38, 1-based): chrX:118,392,941, C>T. VCF-style: chrX-118392941-C-T. GRCh37 (hg19) VCF-style: chrX-117526904-C-T.
Other names: c.496C>T, p.Leu166Phe (NM_001184965.2); c.421C>T, p.Leu141Phe (NM_001184966.1); short protein forms L166F, L141F.
Identifiers: ClinVar variation 5008558 (VCV005008558.1).

ClinVar aggregate classification (germline): Uncertain significance (1 of 4 stars; one submission).

Submission:

GeneDx
Classification: Uncertain significance. Last evaluated: 2026-03-06. Review status: criteria provided, single submitter. Criteria: GeneDx Variant Classification Process June 2021. Collection method: clinical testing. Allele origin: germline.
Comment: In silico analysis suggests that this missense variant does not alter protein structure/function; Has not been previously published as pathogenic or benign to our knowledge; Not observed at significant frequency in large population cohorts (gnomAD)